The following is an entry in ClinVar:

NM_005033.3(EXOSC9):c.353C>T (p.Thr118Ile)

Gene: EXOSC9 (exosome component 9; plus strand). Cytogenetic location: 4q27.
Variant type: single nucleotide variant.
Coding change: c.353C>T on transcript NM_005033.3 (MANE Select); coding-DNA position 353, C replaced by T.
Protein change: p.Thr118Ile; replaces threonine 118 with isoleucine.
Molecular consequence: missense variant.
Genome position (GRCh38, 1-based): chr4:121,802,986, C>T. VCF-style: chr4-121802986-C-T. GRCh37 (hg19) VCF-style: chr4-122724141-C-T.
Other names: c.353C>T, p.Thr118Ile (NM_001034194.2); c.353C>T (NM_001034194.1); short protein forms T118I.
Identifiers: ClinVar variation 1496567 (VCV001496567.6), dbSNP rs767354279, ClinGen allele CA3063372.

ClinVar aggregate classification (germline): Uncertain significance. Review status: criteria provided, multiple submitters, no conflicts (2 of 4 stars). 2 submissions from 2 submitters: Uncertain significance (2). Last evaluated 2023-11-02.

Conditions:
Inborn genetic diseases. Identifiers: MedGen C0950123, MeSH D030342.

Allele frequency attached by ClinVar (database versions not stated): ExAC 0.00001; gnomAD 0.00001 and 0.00002; gnomAD exomes 0.00001 and 0.00007; TOPMed 0.00002.
gnomAD v4.1: 108 of 1,613,574 alleles (0.0067%); highest among the groups gnomAD compares: Non-Finnish European, 0.0088%; no homozygotes.

Submissions (2):

Labcorp Genetics (formerly Invitae), Labcorp
Classification: Uncertain significance. Last evaluated: 2023-11-02. Review status: criteria provided, single submitter. Criteria: Invitae Variant Classification Sherloc (09022015). Collection method: clinical testing. Allele origin: germline.
Comment: This sequence change replaces threonine, which is neutral and polar, with isoleucine, which is neutral and non-polar, at codon 118 of the EXOSC9 protein (p.Thr118Ile). This variant is present in population databases (rs767354279, gnomAD 0.007%). This variant has not been reported in the literature in individuals affected with EXOSC9-related conditions. ClinVar contains an entry for this variant (Variation ID: 1496567). Advanced modeling of protein sequence and biophysical properties (such as structural, functional, and spatial information, amino acid conservation, physicochemical variation, residue mobility, and thermodynamic stability) performed at Invitae indicates that this missense variant is expected to disrupt EXOSC9 protein function with a positive predictive value of 80%. In summary, the available evidence is currently insufficient to determine the role of this variant in disease. Therefore, it has been classified as a Variant of Uncertain Significance.

Ambry Genetics
Classification: Uncertain significance for Inborn genetic diseases. Last evaluated: 2023-01-20. Review status: criteria provided, single submitter. Criteria: Ambry Variant Classification Scheme 2023. Collection method: clinical testing. Allele origin: germline.